The following is an entry in ClinVar:

ClinVar aggregate classification (germline): Uncertain significance. Review status: criteria provided, multiple submitters, no conflicts (2 of 4 stars). 2 submissions from 2 submitters: Uncertain significance (2). Last evaluated 2026-03-16.

Allele frequency attached by ClinVar (database versions not stated): TOPMed below 0.00001; ExAC 0.00001; gnomAD exomes 0.00001.
gnomAD v4.1: 4 of 1,606,196 alleles (0.00025%); highest among the groups gnomAD compares: Admixed American, 0.005%; no homozygotes.

Submissions (2):

Women's Health and Genetics/Laboratory Corporation of America, LabCorp
Classification: Uncertain significance. Last evaluated: 2026-03-16. Review status: criteria provided, single submitter. Criteria: LabCorp Variant Classification Summary - May 2015. Collection method: clinical testing. Allele origin: germline.
Comment: Variant summary: AP3B2 c.2227A>G (p.Lys743Glu) results in a conservative amino acid change in the encoded protein sequence. Algorithms developed to predict the effect of missense changes on protein structure and function all suggest that this variant is likely to be tolerated. The variant allele was found at a frequency of 1.2e-05 in 242582 control chromosomes. The available data on variant occurrences in the general population are insufficient to allow any conclusion about variant significance. To our knowledge, no occurrence of c.2227A>G in individuals affected with AP3B2-related conditions and no experimental evidence demonstrating its impact on protein function have been reported. ClinVar contains an entry for this variant (Variation ID: 1489666). Based on the evidence outlined above, the variant was classified as uncertain significance.

Labcorp Genetics (formerly Invitae), Labcorp
Classification: Uncertain significance. Last evaluated: 2022-05-22. Review status: criteria provided, single submitter. Criteria: Invitae Variant Classification Sherloc (09022015). Collection method: clinical testing. Allele origin: germline.
Comment: This sequence change replaces lysine, which is basic and polar, with glutamic acid, which is acidic and polar, at codon 743 of the AP3B2 protein (p.Lys743Glu). This variant is present in population databases (rs770684567, gnomAD 0.006%). This variant has not been reported in the literature in individuals affected with AP3B2-related conditions. Algorithms developed to predict the effect of missense changes on protein structure and function (SIFT, PolyPhen-2, Align-GVGD) all suggest that this variant is likely to be tolerated. In summary, the available evidence is currently insufficient to determine the role of this variant in disease. Therefore, it has been classified as a Variant of Uncertain Significance.

NM_001278512.2(AP3B2):c.2284A>G (p.Lys762Glu)

Genes: AP3B2 (adaptor related protein complex 3 subunit beta 2; minus strand), CPEB1-AS1 (CPEB1 antisense RNA 1; plus strand). Cytogenetic location: 15q25.2.
Variant type: single nucleotide variant.
Coding change: c.2284A>G on transcript NM_001278512.2 (MANE Select); coding-DNA position 2284, A replaced by G.
Protein change: p.Lys762Glu; replaces lysine 762 with glutamic acid.
Molecular consequence: missense variant.
Genome position (GRCh38, 1-based): chr15:82,663,953, T>C on the plus strand (A>G on the coding strand, the complement: AP3B2 is on the minus strand). VCF-style: chr15-82663953-T-C. GRCh37 (hg19) VCF-style: chr15-83332705-T-C.
Other names: c.2131A>G, p.Lys711Glu (NM_001278511.2); c.2227A>G, p.Lys743Glu (NM_004644.5); short protein forms K711E, K762E, K743E.
Identifiers: ClinVar variation 1489666 (VCV001489666.4), dbSNP rs770684567, ClinGen allele CA7699957.